The following is an entry in ClinVar:

ClinVar aggregate classification (germline): Uncertain significance. Review status: criteria provided, multiple submitters, no conflicts (2 of 4 stars). 5 submissions from 5 submitters: Uncertain significance (5). Last evaluated 2024-02-12.

Conditions:
Hereditary cancer-predisposing syndrome. Also called: Neoplastic Syndromes, Hereditary; Hereditary Cancer Syndrome; Tumor predisposition; Hereditary neoplastic syndrome. Identifiers: Orphanet 140162, MedGen C0027672, MeSH D009386, MONDO:0015356.
Familial adenomatous polyposis 1 (FAP1). Also called: FAMILIAL ADENOMATOUS POLYPOSIS 1, ATTENUATED; POLYPOSIS, ADENOMATOUS INTESTINAL. Identifiers: MedGen C2713442, MONDO:0021056, OMIM 175100. Disease mechanism: loss of function.

Submissions (5):

GeneDx
Classification: Uncertain significance. Last evaluated: 2024-02-12. Review status: criteria provided, single submitter. Criteria: GeneDx Variant Classification Process June 2021. Collection method: clinical testing. Allele origin: germline. Affected: yes.
Comment: Not observed at significant frequency in large population cohorts (gnomAD); In silico analysis supports that this missense variant does not alter protein structure/function; Has not been previously published as pathogenic or benign to our knowledge; This variant is associated with the following publications: (PMID: 34771683, 26689913, 25742471, 18199528, 11920741)

Ambry Genetics
Classification: Uncertain significance for Hereditary cancer-predisposing syndrome. Last evaluated: 2024-01-30. Review status: criteria provided, single submitter. Criteria: Ambry Variant Classification Scheme 2023. Collection method: clinical testing. Allele origin: germline.
Comment: The p.V1414L variant (also known as c.4240G>C), located in coding exon 15 of the APC gene, results from a G to C substitution at nucleotide position 4240. The valine at codon 1414 is replaced by leucine, an amino acid with highly similar properties. This amino acid position is not well conserved in available vertebrate species. In addition, in silico predictors for this gene do not accurately predict pathogenicity. Based on the available evidence, the clinical significance of this alteration remains unclear.

Baylor Genetics
Classification: Uncertain significance for Familial adenomatous polyposis 1. Last evaluated: 2023-05-01. Review status: criteria provided, single submitter. Criteria: ACMG Guidelines, 2015. Collection method: clinical testing. Allele origin: unknown.

Labcorp Genetics (formerly Invitae), Labcorp
Classification: Uncertain significance for Familial adenomatous polyposis 1. Last evaluated: 2022-08-20. Review status: criteria provided, single submitter. Criteria: Invitae Variant Classification Sherloc (09022015). Collection method: clinical testing. Allele origin: germline.
Comment: In summary, the available evidence is currently insufficient to determine the role of this variant in disease. Therefore, it has been classified as a Variant of Uncertain Significance. Algorithms developed to predict the effect of missense changes on protein structure and function (SIFT, PolyPhen-2, Align-GVGD) all suggest that this variant is likely to be tolerated. ClinVar contains an entry for this variant (Variation ID: 928900). This variant has not been reported in the literature in individuals affected with APC-related conditions. This variant is not present in population databases (gnomAD no frequency). This sequence change replaces valine, which is neutral and non-polar, with leucine, which is neutral and non-polar, at codon 1414 of the APC protein (p.Val1414Leu).

Women's Health and Genetics/Laboratory Corporation of America, LabCorp
Classification: Uncertain significance. Last evaluated: 2019-03-18. Review status: criteria provided, single submitter. Criteria: LabCorp Variant Classification Summary - May 2015. Collection method: clinical testing. Allele origin: germline.
Comment: Variant summary: APC c.4240G>C (p.Val1414Leu) results in a conservative amino acid change in the encoded protein sequence. Four of five in-silico tools predict a benign effect of the variant on protein function. The variant was absent in 245722 control chromosomes (gnomAD). The available data on variant occurrences in the general population are insufficient to allow any conclusion about variant significance. To our knowledge, no occurrence of c.4240G>C in individuals affected with Familial Adenomatous Polyposis and no experimental evidence demonstrating its impact on protein function have been reported. No clinical diagnostic laboratories have submitted clinical-significance assessments for this variant to ClinVar after 2014. Based on the evidence outlined above, the variant was classified as uncertain significance.

NM_000038.6(APC):c.4240G>C (p.Val1414Leu)

Gene: APC (APC regulator of Wnt signaling pathway; plus strand). Cytogenetic location: 5q22.2.
Variant type: single nucleotide variant.
Coding change: c.4240G>C on transcript NM_000038.6 (MANE Select); coding-DNA position 4240, G replaced by C.
Protein change: p.Val1414Leu; replaces valine 1414 with leucine.
Molecular consequence: missense variant.
Genome position (GRCh38, 1-based): chr5:112,839,834, G>C. VCF-style: chr5-112839834-G-C. GRCh37 (hg19) VCF-style: chr5-112175531-G-C.
Other names: c.4240G>C, p.Val1414Leu (NM_001127510.3, NM_001354895.2); c.4186G>C, p.Val1396Leu (NM_001127511.3); c.4294G>C, p.Val1432Leu (NM_001354896.2); c.4270G>C, p.Val1424Leu (NM_001354897.2); c.4165G>C, p.Val1389Leu (NM_001354898.2); c.4156G>C, p.Val1386Leu (NM_001354899.2); c.4117G>C, p.Val1373Leu (NM_001354900.2); c.4063G>C, p.Val1355Leu (NM_001354901.2); and 5 more; short protein forms V1131L, V1254L, V1288L, V1313L, V1323L, V1355L, V1373L, V1386L.
Identifiers: ClinVar variation 928900 (VCV000928900.15), dbSNP rs755300914, ClinGen allele CA16030622.